The following is an entry in ClinVar:

ClinVar aggregate classification (germline): Uncertain significance (1 of 4 stars; one submission).

Conditions:
Congenital myopathy 4B, autosomal recessive. Also called: Nemaline myopathy 1, autosomal dominant or recessive. Identifiers: Orphanet 171433, Orphanet 171439, Orphanet 171881, MedGen C5829889, MONDO:0012239, OMIM 609284.
Congenital myopathy with fiber type disproportion. Also called: Congenital fiber-type disproportion myopathy; Congenital fiber-type disproportion. Identifiers: Orphanet 2020, MedGen C0546264, MONDO:0009711. Inheritance: all.

Submission:

Labcorp Genetics (formerly Invitae), Labcorp
Classification: Uncertain significance for Congenital myopathy with fiber type disproportion; Congenital myopathy 4B, autosomal recessive. Last evaluated: 2025-10-02. Review status: criteria provided, single submitter. Criteria: Invitae Variant Classification Sherloc (09022015). Collection method: clinical testing. Allele origin: germline.
Comment: This sequence change replaces glutamic acid, which is acidic and polar, with alanine, which is neutral and non-polar, at codon 3 of the TPM3 protein (p.Glu3Ala). This variant is not present in population databases (gnomAD no frequency). This variant has not been reported in the literature in individuals affected with TPM3-related conditions. ClinVar contains an entry for this variant (Variation ID: 2954071). Invitae Evidence Modeling of protein sequence and biophysical properties (such as structural, functional, and spatial information, amino acid conservation, physicochemical variation, residue mobility, and thermodynamic stability) indicates that this missense variant is not expected to disrupt TPM3 protein function with a negative predictive value of 95%. This variant disrupts the p.Glu3 amino acid residue in TPM3. Other variant(s) that disrupt this residue have been determined to be pathogenic (PMID: 31561939, 38003336). This suggests that this residue is clinically significant, and that variants that disrupt this residue are likely to be disease-causing. In summary, the available evidence is currently insufficient to determine the role of this variant in disease. Therefore, it has been classified as a Variant of Uncertain Significance.

Literature cited by the submitters: PubMed 31561939; PubMed 38003336.

NM_152263.4(TPM3):c.8A>C (p.Glu3Ala)

Gene: TPM3 (tropomyosin 3; minus strand). Cytogenetic location: 1q21.3.
Variant type: single nucleotide variant.
Coding change: c.8A>C on transcript NM_152263.4 (MANE Select); coding-DNA position 8, A replaced by C.
Protein change: p.Glu3Ala; replaces glutamic acid 3 with alanine.
Molecular consequence: missense variant. On other transcripts: non-coding transcript variant (1).
Genome position (GRCh38, 1-based): chr1:154,192,011, T>G on the plus strand (A>C on the coding strand, the complement: TPM3 is on the minus strand). VCF-style: chr1-154192011-T-G. GRCh37 (hg19) VCF-style: chr1-154164487-T-G.
Other names: c.8A>C, p.Glu3Ala (NM_001364679.2, NM_001364680.2, NM_001364681.2 and 1 more transcripts); short protein forms E3A.
Identifiers: ClinVar variation 2954071 (VCV002954071.3), dbSNP rs2526061089, ClinGen allele CA342587597.